The following is an entry in ClinVar:

NM_000284.4(PDHA1):c.628A>G (p.Met210Val)

Gene: PDHA1 (pyruvate dehydrogenase E1 subunit alpha 1; plus strand). Cytogenetic location: Xp22.12.
Variant type: single nucleotide variant.
Coding change: c.628A>G on transcript NM_000284.4 (MANE Select); coding-DNA position 628, A replaced by G.
Protein change: p.Met210Val; replaces methionine 210 with valine.
Molecular consequence: missense variant.
Genome position (GRCh38, 1-based): chrX:19,355,373, A>G. VCF-style: chrX-19355373-A-G. GRCh37 (hg19) VCF-style: chrX-19373491-A-G.
Other names: c.742A>G, p.Met248Val (NM_001173454.2); c.649A>G, p.Met217Val (NM_001173455.2); c.535A>G, p.Met179Val (NM_001173456.2); short protein forms M210V, M179V, M217V, M248V.
Identifiers: ClinVar variation 198412 (VCV000198412.9), dbSNP rs794727843, ClinGen allele CA247055.
Genomic context (GRCh38, chrX:19,355,373, plus strand): 5'-AAGCCAAATGAAACCCCTTTTCGTAACTACTTCCAGGGCCAGATATTCGAAGCTTACAAC[A>G]TGGCAGCTTTGTGGAAATTACCTTGTATTTTCATCTGTGAGAATAATCGCTATGGAATGG-3'
Protein context (NP_000275.1, residues 200-220): NQGQIFEAYN[Met210Val]AALWKLPCIF

ClinVar aggregate classification (germline): Conflicting classifications of pathogenicity. Review status: criteria provided, conflicting classifications (1 of 4 stars). 5 submissions from 5 submitters: Pathogenic (3); Uncertain significance (1). 1 of the submissions does not count toward it. Last evaluated 2025-04-10.

Conditions:
Pyruvate dehydrogenase E1-alpha deficiency (PDHAD). Also called: Ataxia, intermittent, with pyruvate dehydrogenase, or decarboxylase, deficiency; ATAXIA, INTERMITTENT, WITH PYRUVATE DEHYDROGENASE DEFICIENCY; ATAXIA WITH LACTIC ACIDOSIS I; ATAXIA, INTERMITTENT, WITH ABNORMAL PYRUVATE METABOLISM. Identifiers: Orphanet 79243, MedGen C1839413, MONDO:0010717, OMIM 312170.

Submissions (5):

GeneDx
Classification: Pathogenic. Last evaluated: 2025-04-10. Review status: criteria provided, single submitter. Criteria: GeneDx Variant Classification Process June 2021. Collection method: clinical testing. Allele origin: germline. Affected: yes.
Comment: Published functional studies using a yeast model demonstrate decreased enzymatic activity and impairment of the pyruvate dehydrogenase complex accompanied by structural changes (PMID: 29445841); Not observed in large population cohorts (gnomAD); In silico analysis supports that this missense variant has a deleterious effect on protein structure/function; This variant is associated with the following publications: (PMID: 8844217, 24718837, 33588022, 29445841)

Greenwood Genetic Center Diagnostic Laboratories, Greenwood Genetic Center
Classification: Pathogenic for Pyruvate dehydrogenase E1-alpha deficiency. Last evaluated: 2023-01-04. Review status: criteria provided, single submitter. Criteria: ACMG Guidelines, 2015. Collection method: clinical testing. Allele origin: germline. Affected: yes.
Comment: PS2, PS3, PM2, PM5

Victorian Clinical Genetics Services, Murdoch Childrens Research Institute
Classification: Pathogenic for Pyruvate dehydrogenase E1-alpha deficiency. Last evaluated: 2022-09-02. Review status: criteria provided, single submitter. Criteria: ACMG Guidelines, 2015. Collection method: clinical testing. Allele origin: germline. Inheritance: X-linked dominant inheritance.
Comment: Based on the classification scheme VCGS_Germline_v1.3.3, this variant is classified as Pathogenic. Following criteria are met: 0102 - Loss of function is a known mechanism of disease in this gene and is associated with pyruvate dehydrogenase E1-alpha deficiency. (I) 0110 - This gene is associated with X-linked dominant disease. (I) 0200 - Variant is predicted to result in a missense amino acid change from methionine to valine. (I) 0253 - This variant is hemizygous. (I) 0301 - Variant is absent from gnomAD (both v2 and v3). (SP) 0501 - Missense variant consistently predicted to be damaging by multiple in silico tools or highly conserved with a major amino acid change. (SP) 0603 - Missense variant in a region that is highly intolerant to missense variation (high constraint region in DECIPHER). (SP) 0705 - No comparable missense variants have previous evidence for pathogenicity. (I) 0808 - Previous reports of pathogenicity for this variant are conflicting. It has also been reported as VUS in ClinVar. (I) 0905 - No published segregation evidence has been identified for this variant. (I) 1006 - Clinically accredited laboratory assay shows abnormal function of product not specific to the gene. (SP) 1102 - Strong phenotype match for this individual. (SP) Legend: (SP) - Supporting pathogenic, (I) - Information, (SB) - Supporting benign

Eurofins Ntd Llc (ga)
Classification: Uncertain significance. Last evaluated: 2015-01-12. Review status: criteria provided, single submitter. Criteria: EGL Classification Definitions 2015. Collection method: clinical testing. Allele origin: germline. Observed: 1 variant allele, 1 hemizygote.

PDHA1 Study Group, University Children’s Hospital, Paracelsus Medical University
Classification: Pathogenic for Pyruvate dehydrogenase E1-alpha deficiency. Last evaluated: 2024-10-15. Review status: no assertion criteria provided. Collection method: research. Allele origin: de novo. Affected: yes. Observed: 6 variant alleles. Not counted in ClinVar's aggregate classification.
Comment: The NM_000284.3:c.628A>G (p.Met210Val) substitution is a missense variant in PDHA1 gene. In total, 6 individuals are diagnosed with PDHA1-related Pyruvate dehydrogenase complex (PDHc) deficiency (MIM #312170). These include 4 males and 2 females. Among them, 1 case has confirmed de novo occurrence. The variant has been reported in 2 published cases (PMIDs: 8844217, 10679936, 24718837, 28918066, 23021068). Additional 4 unpublished cases from internal data are included. Last literature search: July 12, 2024. This variant is absent or extremely rare in population-based cohorts in the Genome Aggregation Database (gnomAD). Individuals harboring this variant present with clinical features compatible with PDHA1-related PDHc deficiency. In summary, this variant meets criteria to be classified as pathogenic (P) for PDHA1-related PDHc deficiency based on the ACMG/AMP criteria applied: PS3, PM1, PM2, PM7, PP3 (last assessment October 15, 2024).

Literature cited by the submitters: PubMed 8844217 (cited by 3 submitters); PubMed 10679936 (cited by PDHA1 Study Group, University Children’s Hospital, Paracelsus Medical University); PubMed 24718837 (cited by PDHA1 Study Group, University Children’s Hospital, Paracelsus Medical University); PubMed 28918066 (cited by PDHA1 Study Group, University Children’s Hospital, Paracelsus Medical University); PubMed 23021068 (cited by PDHA1 Study Group, University Children’s Hospital, Paracelsus Medical University); DOI 10.1093/brain/awaf430 (cited by PDHA1 Study Group, University Children’s Hospital, Paracelsus Medical University).